The following is an entry in ClinVar:

ClinVar aggregate classification (germline): Uncertain significance (1 of 4 stars; one submission).

Conditions:
Lowe syndrome (OCRL). Also called: LOWE OCULOCEREBRORENAL SYNDROME; PHOSPHATIDYLINOSITOL 4,5-BISPHOSPHATE 5-PHOSPHATASE DEFICIENCY; Oculocerebrorenal Syndrome. Identifiers: Orphanet 534, MedGen C0028860, MONDO:0010645, OMIM 309000.

Submission:

3billion
Classification: Uncertain significance for Lowe syndrome. Last evaluated: 2024-06-25. Review status: criteria provided, single submitter. Criteria: ACMG Guidelines, 2015. Collection method: clinical testing. Allele origin: germline. Affected: yes.
Comment: The variant is not observed in the gnomAD v4.0.0 dataset. Predicted Consequence/Location: Intron variant In silico tools predict the variant to alter splicing and produce an abnormal transcript [SpliceAI: 0.49 (>=0.2, moderate evidence for spliceogenicity)]. Therefore, this variant is classified as VUS according to the recommendation of ACMG/AMP guideline.

NM_000276.4(OCRL):c.440-10T>A

Gene: OCRL (OCRL inositol polyphosphate-5-phosphatase; plus strand). Cytogenetic location: Xq26.1.
Variant type: single nucleotide variant.
Coding change: c.440-10T>A on transcript NM_000276.4 (MANE Select); 10 bases into the intron before coding-DNA position 440, T replaced by A.
Molecular consequence: intron variant.
Genome position (GRCh38, 1-based): chrX:129,558,623, T>A. VCF-style: chrX-129558623-T-A. GRCh37 (hg19) VCF-style: chrX-128692600-T-A.
Other names: c.443-10T>A (NM_001318784.2); c.440-10T>A (NM_001587.4).
Identifiers: ClinVar variation 4292011 (VCV004292011.1).